The following is an entry in ClinVar:

ClinVar aggregate classification (germline): Uncertain significance. Review status: criteria provided, multiple submitters, no conflicts (2 of 4 stars). 2 submissions from 2 submitters: Uncertain significance (2). Last evaluated 2025-07-09.

Conditions:
Cardiovascular phenotype. Identifiers: MedGen CN230736.

gnomAD v4.1: 2 of 1,612,532 alleles (0.00012%); highest among the groups gnomAD compares: Non-Finnish European, 0.00017%; no homozygotes.

Submissions (2):

Women's Health and Genetics/Laboratory Corporation of America, LabCorp
Classification: Uncertain significance. Last evaluated: 2025-07-09. Review status: criteria provided, single submitter. Criteria: LabCorp Variant Classification Summary - May 2015. Collection method: clinical testing. Allele origin: germline.
Comment: Variant summary: TNXB c.8891A>C (p.Asp2964Ala) results in a non-conservative amino acid change in the encoded protein sequence. Algorithms developed to predict the effect of missense changes on protein structure and function are either unavailable or do not agree on the potential impact of this missense change. The variant was absent in 244030 control chromosomes. The available data on variant occurrences in the general population are insufficient to allow any conclusion about variant significance. To our knowledge, no occurrence of c.8891A>C in individuals affected with Ehlers-Danlos syndrome due to tenascin-X deficiency and no experimental evidence demonstrating its impact on protein function have been reported. ClinVar contains an entry for this variant (Variation ID: 3459912). Based on the evidence outlined above, the variant was classified as uncertain significance.

Ambry Genetics
Classification: Uncertain significance for Cardiovascular phenotype. Last evaluated: 2024-11-17. Review status: criteria provided, single submitter. Criteria: Ambry Variant Classification Scheme 2023. Collection method: clinical testing. Allele origin: germline.
Comment: The p.D2964A variant (also known as c.8891A>C), located in coding exon 25 of the TNXB gene, results from an A to C substitution at nucleotide position 8891. The aspartic acid at codon 2964 is replaced by alanine, an amino acid with dissimilar properties. This amino acid position is conserved. In addition, this alteration is predicted to be tolerated by in silico analysis. Based on the available evidence, the clinical significance of this variant remains unclear.

NM_001365276.2(TNXB):c.8897A>C (p.Asp2966Ala)

Gene: TNXB (tenascin XB; minus strand). Cytogenetic location: 6p21.33.
Variant type: single nucleotide variant.
Coding change: c.8897A>C on transcript NM_001365276.2 (MANE Select); coding-DNA position 8897, A replaced by C.
Protein change: p.Asp2966Ala; replaces aspartic acid 2966 with alanine.
Molecular consequence: missense variant.
Genome position (GRCh38, 1-based): chr6:32,052,888, T>G on the plus strand (A>C on the coding strand, the complement: TNXB is on the minus strand). VCF-style: chr6-32052888-T-G. GRCh37 (hg19) VCF-style: chr6-32020665-T-G.
Other names: c.9638A>C, p.Asp3213Ala (NM_001428335.1); c.8891A>C, p.Asp2964Ala (NM_019105.8); short protein forms D2964A, D2966A, D3213A.
Identifiers: ClinVar variation 3459912 (VCV003459912.2).